The following is an entry in ClinVar:

ClinVar aggregate classification (germline): Uncertain significance. Review status: criteria provided, multiple submitters, no conflicts (2 of 4 stars). 2 submissions from 2 submitters: Uncertain significance (2). Last evaluated 2024-01-08.

Conditions:
Long QT syndrome (LQTS). Identifiers: MedGen C0023976, MeSH D008133, MONDO:0002442. Disease mechanism: loss of function. Inheritance: Various modes of inheritance.
Cardiovascular phenotype. Identifiers: MedGen CN230736.

Allele frequency attached by ClinVar (database versions not stated): TOPMed 0.00001; ExAC 0.00003; ESP Exome Variant Server 0.00008.
gnomAD v4.1: 36 of 1,613,810 alleles (0.0022%); highest among the groups gnomAD compares: Non-Finnish European, 0.0028%; no homozygotes.

Submissions (2):

Ambry Genetics
Classification: Uncertain significance for Cardiovascular phenotype. Last evaluated: 2024-01-08. Review status: criteria provided, single submitter. Criteria: Ambry Variant Classification Scheme 2023. Collection method: clinical testing. Allele origin: germline.
Comment: The p.G517R variant (also known as c.1549G>C), located in coding exon 8 of the AKAP9 gene, results from a G to C substitution at nucleotide position 1549. The glycine at codon 517 is replaced by arginine, an amino acid with dissimilar properties. This amino acid position is not well conserved in available vertebrate species. In addition, this alteration is predicted to be tolerated by in silico analysis. The evidence for this gene-disease relationship is limited; therefore, the clinical significance of this alteration is unclear.

Labcorp Genetics (formerly Invitae), Labcorp
Classification: Uncertain significance for Long QT syndrome. Last evaluated: 2023-03-07. Review status: criteria provided, single submitter. Criteria: Invitae Variant Classification Sherloc (09022015). Collection method: clinical testing. Allele origin: germline.
Comment: This sequence change replaces glycine, which is neutral and non-polar, with arginine, which is basic and polar, at codon 517 of the AKAP9 protein (p.Gly517Arg). In summary, the available evidence is currently insufficient to determine the role of this variant in disease. Therefore, it has been classified as a Variant of Uncertain Significance. Algorithms developed to predict the effect of missense changes on protein structure and function output the following: SIFT: "Not Available"; PolyPhen-2: "Benign"; Align-GVGD: "Not Available". The arginine amino acid residue is found in multiple mammalian species, which suggests that this missense change does not adversely affect protein function. ClinVar contains an entry for this variant (Variation ID: 1775000). This variant has not been reported in the literature in individuals affected with AKAP9-related conditions. This variant is present in population databases (rs371522837, gnomAD 0.005%).

NM_005751.5(AKAP9):c.1549G>C (p.Gly517Arg)

Gene: AKAP9 (A-kinase anchoring protein 9; plus strand). Cytogenetic location: 7q21.2.
Variant type: single nucleotide variant.
Coding change: c.1549G>C on transcript NM_005751.5 (MANE Select); coding-DNA position 1549, G replaced by C.
Protein change: p.Gly517Arg; replaces glycine 517 with arginine.
Molecular consequence: missense variant.
Genome position (GRCh38, 1-based): chr7:92,001,466, G>C. VCF-style: chr7-92001466-G-C. GRCh37 (hg19) VCF-style: chr7-91630780-G-C.
Other names: c.1549G>C, p.Gly517Arg (NM_147185.3); short protein forms G517R.
Identifiers: ClinVar variation 1775000 (VCV001775000.7), dbSNP rs371522837, ClinGen allele CA4336025.